The following is an entry in ClinVar:

NM_004064.5(CDKN1B):c.*9-9C>G

Gene: CDKN1B (cyclin dependent kinase inhibitor 1B; plus strand). Cytogenetic location: 12p13.1.
Variant type: single nucleotide variant.
Coding change: c.*9-9C>G on transcript NM_004064.5 (MANE Select); 9 bases into the intron before 9 bases downstream of the stop codon, C replaced by G.
Molecular consequence: intron variant.
Genome position (GRCh38, 1-based): chr12:12,721,027, C>G. VCF-style: chr12-12721027-C-G. GRCh37 (hg19) VCF-style: chr12-12873961-C-G.
Identifiers: ClinVar variation 307671 (VCV000307671.6), dbSNP rs755164166, ClinGen allele CA6457591.

ClinVar aggregate classification (germline): Benign. Review status: criteria provided, multiple submitters, no conflicts (2 of 4 stars). 2 submissions from 2 submitters: Benign (2). Last evaluated 2020-10-26.

Conditions:
Hereditary cancer-predisposing syndrome. Also called: Neoplastic Syndromes, Hereditary; Tumor predisposition; Hereditary Cancer Syndrome; Hereditary neoplastic syndrome. Identifiers: Orphanet 140162, MedGen C0027672, MeSH D009386, MONDO:0015356.
Multiple endocrine neoplasia type 4. Also called: MULTIPLE ENDOCRINE NEOPLASIA, TYPE IV. Identifiers: Orphanet 276152, MedGen C1970712, MONDO:0012552, OMIM 610755.

Allele frequency attached by ClinVar (database versions not stated): ExAC 0.00004; gnomAD exomes 0.00010; gnomAD 0.00022 and 0.00023; TOPMed 0.00023.

Submissions (2):

Sema4
Classification: Benign for Hereditary cancer-predisposing syndrome. Last evaluated: 2020-10-26. Review status: criteria provided, single submitter. Criteria: Sema4 Curation Guidelines. Collection method: curation. Allele origin: germline.

Illumina Laboratory Services, Illumina
Classification: Benign for Multiple endocrine neoplasia type 4. Last evaluated: 2018-01-12. Review status: criteria provided, single submitter. Criteria: ICSL Variant Classification Criteria 13 December 2019. Collection method: clinical testing. Allele origin: germline.
Comment: This variant was observed in the ICSL laboratory as part of a predisposition screen in an ostensibly healthy population. It had not been previously curated by ICSL or reported in the Human Gene Mutation Database (HGMD: prior to June 1st, 2018), and was therefore a candidate for classification through an automated scoring system. Utilizing variant allele frequency, disease prevalence and penetrance estimates, and inheritance mode, an automated score was calculated to assess if this variant is too frequent to cause the disease. Based on the score and internal cut-off values, a variant classified as benign is not then subjected to further curation. The score for this variant resulted in a classification of benign for this disease.